The following is an entry in ClinVar:

NM_138694.4(PKHD1):c.10688T>G (p.Leu3563Trp)

Gene: PKHD1 (PKHD1 ciliary IPT domain containing fibrocystin/polyductin; minus strand). Cytogenetic location: 6p12.3.
Variant type: single nucleotide variant.
Coding change: c.10688T>G on transcript NM_138694.4 (MANE Select); coding-DNA position 10688, T replaced by G.
Protein change: p.Leu3563Trp; replaces leucine 3563 with tryptophan.
Molecular consequence: missense variant.
Genome position (GRCh38, 1-based): chr6:51,659,438, A>C on the plus strand (T>G on the coding strand, the complement: PKHD1 is on the minus strand). VCF-style: chr6-51659438-A-C. GRCh37 (hg19) VCF-style: chr6-51524236-A-C.
Other names: short protein forms L3563W.
Identifiers: ClinVar variation 2878181 (VCV002878181.3), dbSNP rs1772455536, ClinGen allele CA364432952.

ClinVar aggregate classification (germline): Uncertain significance (1 of 4 stars; one submission).

Conditions:
Autosomal recessive polycystic kidney disease (ARPKD). Also called: AR polycystic kidney disease. Identifiers: Orphanet 731, Orphanet 8378, MedGen C0085548, MeSH D017044, MONDO:0009889.

Allele frequency attached by ClinVar (database versions not stated): gnomAD 0.00001.
gnomAD v4.1: 1 of 1,613,610 alleles (0.000062%); highest among the groups gnomAD compares: African/African-American, 0.0013%; no homozygotes.

Submission:

Labcorp Genetics (formerly Invitae), Labcorp
Classification: Uncertain significance for Autosomal recessive polycystic kidney disease. Last evaluated: 2023-10-20. Review status: criteria provided, single submitter. Criteria: Invitae Variant Classification Sherloc (09022015). Collection method: clinical testing. Allele origin: germline.
Comment: This sequence change replaces leucine, which is neutral and non-polar, with tryptophan, which is neutral and slightly polar, at codon 3563 of the PKHD1 protein (p.Leu3563Trp). This variant is not present in population databases (gnomAD no frequency). This variant has not been reported in the literature in individuals affected with PKHD1-related conditions. Advanced modeling of protein sequence and biophysical properties (such as structural, functional, and spatial information, amino acid conservation, physicochemical variation, residue mobility, and thermodynamic stability) performed at Invitae indicates that this missense variant is expected to disrupt PKHD1 protein function. In summary, the available evidence is currently insufficient to determine the role of this variant in disease. Therefore, it has been classified as a Variant of Uncertain Significance.